The following is an entry in ClinVar:

ClinVar aggregate classification (germline): Benign (1 of 4 stars; one submission).

Conditions:
Oligodontia-cancer predisposition syndrome. Also called: TOOTH AGENESIS-COLORECTAL CANCER SYNDROME. Identifiers: Orphanet 300576, MedGen C1837750, MONDO:0012075, OMIM 608615. Disease mechanism: loss of function.

Allele frequency attached by ClinVar (database versions not stated): gnomAD exomes 0.00035; gnomAD 0.00076 and 0.00095; TOPMed 0.00096; 1000 Genomes Project 30x 0.00562; 1000 Genomes Project 0.00579.
gnomAD v4.1: 627 of 1,348,056 alleles (0.047%); highest among the groups gnomAD compares: East Asian, 1.1%; 3 homozygotes.

Submission:

Illumina Laboratory Services, Illumina
Classification: Benign for Oligodontia-cancer predisposition syndrome. Last evaluated: 2018-01-13. Review status: criteria provided, single submitter. Criteria: ICSL Variant Classification Criteria 13 December 2019. Collection method: clinical testing. Allele origin: germline.
Comment: This variant was observed in the ICSL laboratory as part of a predisposition screen in an ostensibly healthy population. It had not been previously curated by ICSL or reported in the Human Gene Mutation Database (HGMD: prior to June 1st, 2018), and was therefore a candidate for classification through an automated scoring system. Utilizing variant allele frequency, disease prevalence and penetrance estimates, and inheritance mode, an automated score was calculated to assess if this variant is too frequent to cause the disease. Based on the score and internal cut-off values, a variant classified as benign is not then subjected to further curation. The score for this variant resulted in a classification of benign for this disease.

NM_004655.4(AXIN2):c.*147C>T

Gene: AXIN2 (axin 2; minus strand). Cytogenetic location: 17q24.1.
Variant type: single nucleotide variant.
Coding change: c.*147C>T on transcript NM_004655.4 (MANE Select); 147 bases downstream of the stop codon, C replaced by T.
Molecular consequence: 3 prime UTR variant.
Genome position (GRCh38, 1-based): chr17:65,529,829, G>A on the plus strand (C>T on the coding strand, the complement: AXIN2 is on the minus strand). VCF-style: chr17-65529829-G-A. GRCh37 (hg19) VCF-style: chr17-63525947-G-A.
Other names: c.*147C>T (NM_001363813.1).
Identifiers: ClinVar variation 890806 (VCV000890806.4), dbSNP rs150336911, ClinGen allele CA293090672.